The following is an entry in ClinVar:

NM_025150.5(TARS2):c.236C>T (p.Thr79Ile)

Gene: TARS2 (threonyl-tRNA synthetase 2, mitochondrial; plus strand). Cytogenetic location: 1q21.2.
Variant type: single nucleotide variant.
Coding change: c.236C>T on transcript NM_025150.5 (MANE Select); coding-DNA position 236, C replaced by T.
Protein change: p.Thr79Ile; replaces threonine 79 with isoleucine.
Molecular consequence: missense variant. On other transcripts: non-coding transcript variant (2).
Genome position (GRCh38, 1-based): chr1:150,488,027, C>T. VCF-style: chr1-150488027-C-T. GRCh37 (hg19) VCF-style: chr1-150460503-C-T.
Other names: c.236C>T, p.Thr79Ile (NM_001271895.2, NM_001271896.2); c.236C>T (NM_025150.3); short protein forms T79I.
Identifiers: ClinVar variation 1388256 (VCV001388256.7), dbSNP rs903612468, ClinGen allele CA30058775.

ClinVar aggregate classification (germline): Uncertain significance. Review status: criteria provided, multiple submitters, no conflicts (2 of 4 stars). 2 submissions from 2 submitters: Uncertain significance (2). Last evaluated 2025-06-12.

Conditions:
Inborn genetic diseases. Identifiers: MedGen C0950123, MeSH D030342.

Allele frequency attached by ClinVar (database versions not stated): gnomAD exomes 0.00001; gnomAD 0.00005 and 0.00006; TOPMed 0.00007.
gnomAD v4.1: 17 of 1,613,862 alleles (0.0011%); highest among the groups gnomAD compares: African/African-American, 0.017%; no homozygotes.

Submissions (2):

Labcorp Genetics (formerly Invitae), Labcorp
Classification: Uncertain significance. Last evaluated: 2025-06-12. Review status: criteria provided, single submitter. Criteria: Invitae Variant Classification Sherloc (09022015). Collection method: clinical testing. Allele origin: germline.
Comment: This sequence change replaces threonine, which is neutral and polar, with isoleucine, which is neutral and non-polar, at codon 79 of the TARS2 protein (p.Thr79Ile). This variant is present in population databases (no rsID available, gnomAD 0.007%). This variant has not been reported in the literature in individuals affected with TARS2-related conditions. ClinVar contains an entry for this variant (Variation ID: 1388256). Invitae Evidence Modeling of protein sequence and biophysical properties (such as structural, functional, and spatial information, amino acid conservation, physicochemical variation, residue mobility, and thermodynamic stability) indicates that this missense variant is not expected to disrupt TARS2 protein function with a negative predictive value of 80%. In summary, the available evidence is currently insufficient to determine the role of this variant in disease. Therefore, it has been classified as a Variant of Uncertain Significance.

Ambry Genetics
Classification: Uncertain significance for Inborn genetic diseases. Last evaluated: 2024-07-09. Review status: criteria provided, single submitter. Criteria: Ambry Variant Classification Scheme 2023. Collection method: clinical testing. Allele origin: germline.